The following is an entry in ClinVar:

Conditions:
Breast-ovarian cancer, familial, susceptibility to, 1 (BROVCA1). Also called: BRCA1 Hereditary Breast and Ovarian Cancer; OVARIAN CANCER, SUSCEPTIBILITY TO. Identifiers: Orphanet 145, MedGen C2676676, MONDO:0011450, OMIM 604370. Disease mechanism: loss of function.

Submission:

Brotman Baty Institute, University of Washington
No classification provided (evidence only). Condition: Breast-ovarian cancer, familial 1. Review status: no classification provided. Collection method: in vitro. Allele origin: not applicable. Functional consequence: functionally_normal.
ClinVar note: "not provided" was previously submitted as the classification for the variant. However, the classification appeared to be based only on an observation of functional data so it was converted to no classification on 2025-07-30.

NM_007294.4(BRCA1):c.5192A>T (p.Glu1731Val)

Gene: BRCA1 (BRCA1 DNA repair associated; minus strand). Cytogenetic location: 17q21.31.
Variant type: single nucleotide variant.
Coding change: c.5192A>T on transcript NM_007294.4 (MANE Select); coding-DNA position 5192, A replaced by T.
Protein change: p.Glu1731Val; replaces glutamic acid 1731 with valine.
Molecular consequence: missense variant. On other transcripts: non-coding transcript variant (1).
Genome position (GRCh38, 1-based): chr17:43,063,334, T>A on the plus strand (A>T on the coding strand, the complement: BRCA1 is on the minus strand). VCF-style: chr17-43063334-T-A. GRCh37 (hg19) VCF-style: chr17-41215351-T-A.
Other names: c.4979A>T, p.Glu1660Val (NM_001407571.1, NM_001407900.1, NM_001407902.1 and 12 more transcripts); c.5258A>T, p.Glu1753Val (NM_001407581.1, NM_001407582.1); c.5255A>T, p.Glu1752Val (NM_001407583.1, NM_001407585.1, NM_001407587.1 and 1 more transcripts); c.5189A>T, p.Glu1730Val (NM_001407610.1, NM_001407611.1, NM_001407612.1 and 17 more transcripts); c.5186A>T, p.Glu1729Val (NM_001407629.1, NM_001407630.1, NM_001407631.1 and 14 more transcripts); c.5132A>T, p.Glu1711Val (NM_001407649.1); c.5114A>T, p.Glu1705Val (NM_001407652.1, NM_001407653.1, NM_001407654.1 and 1 more transcripts); c.5111A>T, p.Glu1704Val (NM_001407656.1, NM_001407657.1, NM_001407658.1); and 72 more; short protein forms E1731V, E1684V, E627V, E1752V, E1602V, E1641V, E1643V, E1659V.
Identifiers: ClinVar variation 867787 (VCV000867787.3), dbSNP rs2051854642, ClinGen allele CA10591156.
Genomic context (GRCh38, chr17:43,063,334, plus strand): 5'-ATTTTTAACTATATGACTGAATGAATATCTCTGGTTAGTTTGTAACATCAAGTACTTACC[T>A]CATTCAGCATTTTTCTTTCTTTAATAGACTGGGTCACCCCTAAAGAGATCATAGAAAAGA-3'
Protein context (NP_009225.1, residues 1721-1741): QSIKERKMLN[Glu1731Val]HDFEVRGDVV